The following is an entry in ClinVar:

ClinVar aggregate classification (germline): Conflicting classifications of pathogenicity. Review status: criteria provided, conflicting classifications (1 of 4 stars). 3 submissions from 3 submitters: Pathogenic (2); Uncertain significance (1). Last evaluated 2023-02-11.

Conditions:
Congenital contractural arachnodactyly (CCA). Also called: BEALS SYNDROME; Beals-Hecht syndrome; Arthrogryposis, distal, type 9. Identifiers: Orphanet 115, MedGen C0220668, MONDO:0007363, OMIM 121050.

Submissions (3):

Labcorp Genetics (formerly Invitae), Labcorp
Classification: Pathogenic for Congenital contractural arachnodactyly. Last evaluated: 2023-02-11. Review status: criteria provided, single submitter. Criteria: Invitae Variant Classification Sherloc (09022015). Collection method: clinical testing. Allele origin: germline.
Comment: For these reasons, this variant has been classified as Pathogenic. This sequence change replaces cysteine, which is neutral and slightly polar, with tyrosine, which is neutral and polar, at codon 1384 of the FBN2 protein (p.Cys1384Tyr). This variant is not present in population databases (gnomAD no frequency). This missense change has been observed in individual(s) with clinical features of FBN2-related conditions (PMID: 19006240, 31316167). ClinVar contains an entry for this variant (Variation ID: 196780). Advanced modeling of protein sequence and biophysical properties (such as structural, functional, and spatial information, amino acid conservation, physicochemical variation, residue mobility, and thermodynamic stability) performed at Invitae indicates that this missense variant is expected to disrupt FBN2 protein function. This variant affects a cysteine residue located within an epidermal growth factor (EGF)–like domain of the FBN2 protein. Cysteine residues in these domains are involved in the formation of disulfide bridges critical for protein structure and stability (PMID: 3495735, 4750422, 16677079). In addition, missense substitutions within the FBN2 EGF-like domains affecting cysteine residues are overrepresented in patients with congenital contractural arachnodactyly (PMID: 18767143). This variant disrupts the p.Cys1384 amino acid residue in FBN2. Other variant(s) that disrupt this residue have been observed in individuals with FBN2-related conditions (PMID: 19006240, 31316167), which suggests that this may be a clinically significant amino acid residue.

Center for Human Genetics, Inc
Classification: Pathogenic for Congenital contractural arachnodactyly. Last evaluated: 2016-11-01. Review status: criteria provided, single submitter. Criteria: ACMG Guidelines, 2015. Collection method: clinical testing. Allele origin: germline. Affected: yes.

Eurofins Ntd Llc (ga)
Classification: Uncertain significance. Last evaluated: 2014-12-03. Review status: criteria provided, single submitter. Criteria: EGL Classification Definitions 2015. Collection method: clinical testing. Allele origin: germline. Observed: 1 variant allele, 1 heterozygote.

Literature cited by the submitters: PubMed 19006240 (cited by Labcorp Genetics (formerly Invitae), Labcorp); PubMed 31316167 (cited by Labcorp Genetics (formerly Invitae), Labcorp); PubMed 3495735 (cited by Labcorp Genetics (formerly Invitae), Labcorp); PubMed 4750422 (cited by Labcorp Genetics (formerly Invitae), Labcorp); PubMed 16677079 (cited by Labcorp Genetics (formerly Invitae), Labcorp); PubMed 18767143 (cited by Labcorp Genetics (formerly Invitae), Labcorp).

NM_001999.4(FBN2):c.4151G>A (p.Cys1384Tyr)

Gene: FBN2 (fibrillin 2; minus strand). Cytogenetic location: 5q23.3.
Variant type: single nucleotide variant.
Coding change: c.4151G>A on transcript NM_001999.4 (MANE Select); coding-DNA position 4151, G replaced by A.
Protein change: p.Cys1384Tyr; replaces cysteine 1384 with tyrosine.
Molecular consequence: missense variant.
Genome position (GRCh38, 1-based): chr5:128,332,983, C>T on the plus strand (G>A on the coding strand, the complement: FBN2 is on the minus strand). VCF-style: chr5-128332983-C-T. GRCh37 (hg19) VCF-style: chr5-127668675-C-T.
Other names: short protein forms C1384Y.
Identifiers: ClinVar variation 196780 (VCV000196780.8), dbSNP rs794727560, ClinGen allele CA244152.